The following is an entry in ClinVar:

ClinVar aggregate classification (germline): Conflicting classifications of pathogenicity. Review status: criteria provided, conflicting classifications (1 of 4 stars). 3 submissions from 3 submitters: Uncertain significance (2); Likely benign (1). Last evaluated 2025-05-29.

Conditions:
Primary ciliary dyskinesia. Also called: Ciliary dyskinesia. Identifiers: Orphanet 244, MedGen C0008780, MONDO:0016575, HP:0012265.

Allele frequency attached by ClinVar (database versions not stated): gnomAD 0.00001; 1000 Genomes Project 30x 0.00016; 1000 Genomes Project 0.00020.
gnomAD v4.1: 21 of 1,614,192 alleles (0.0013%); highest among the groups gnomAD compares: South Asian, 0.014%; 1 homozygote.

Submissions (3):

Ambry Genetics
Classification: Uncertain significance for Primary ciliary dyskinesia. Last evaluated: 2025-05-29. Review status: criteria provided, single submitter. Criteria: Ambry Variant Classification Scheme 2023. Collection method: clinical testing. Allele origin: germline.

GeneDx
Classification: Uncertain significance. Last evaluated: 2025-01-31. Review status: criteria provided, single submitter. Criteria: GeneDx Variant Classification Process June 2021. Collection method: clinical testing. Allele origin: germline. Affected: yes.
Comment: In silico analysis supports that this missense variant has a deleterious effect on protein structure/function; Has not been previously published as pathogenic or benign to our knowledge

Labcorp Genetics (formerly Invitae), Labcorp
Classification: Likely benign for Primary ciliary dyskinesia. Last evaluated: 2024-02-22. Review status: criteria provided, single submitter. Criteria: Invitae Variant Classification Sherloc (09022015). Collection method: clinical testing. Allele origin: germline.

NM_001369.3(DNAH5):c.9878A>C (p.Glu3293Ala)

Gene: DNAH5 (dynein axonemal heavy chain 5; minus strand). Cytogenetic location: 5p15.2.
Variant type: single nucleotide variant.
Coding change: c.9878A>C on transcript NM_001369.3 (MANE Select); coding-DNA position 9878, A replaced by C.
Protein change: p.Glu3293Ala; replaces glutamic acid 3293 with alanine.
Molecular consequence: missense variant.
Genome position (GRCh38, 1-based): chr5:13,768,979, T>G on the plus strand (A>C on the coding strand, the complement: DNAH5 is on the minus strand). VCF-style: chr5-13768979-T-G. GRCh37 (hg19) VCF-style: chr5-13769088-T-G.
Other names: c.9878A>C (NM_001369.2); short protein forms E3293A.
Identifiers: ClinVar variation 2197550 (VCV002197550.7), dbSNP rs542064804, ClinGen allele CA3202412.